The following is an entry in ClinVar:

NM_138576.4(BCL11B):c.890C>T (p.Pro297Leu)

Gene: BCL11B (BCL11 transcription factor B; minus strand). Cytogenetic location: 14q32.2.
Variant type: single nucleotide variant.
Coding change: c.890C>T on transcript NM_138576.4 (MANE Select); coding-DNA position 890, C replaced by T.
Protein change: p.Pro297Leu; replaces proline 297 with leucine.
Molecular consequence: missense variant.
Genome position (GRCh38, 1-based): chr14:99,175,946, G>A on the plus strand (C>T on the coding strand, the complement: BCL11B is on the minus strand). VCF-style: chr14-99175946-G-A. GRCh37 (hg19) VCF-style: chr14-99642283-G-A.
Other names: c.887C>T, p.Pro296Leu (NM_001282237.2); c.674C>T, p.Pro225Leu (NM_001282238.2); c.677C>T, p.Pro226Leu (NM_022898.3); short protein forms P225L, P296L, P297L, P226L.
Identifiers: ClinVar variation 2867833 (VCV002867833.4), dbSNP rs1024689620, ClinGen allele CA266106298.

ClinVar aggregate classification (germline): Uncertain significance. Review status: criteria provided, multiple submitters, no conflicts (2 of 4 stars). 2 submissions from 2 submitters: Uncertain significance (2). Last evaluated 2025-10-20.

Allele frequency attached by ClinVar (database versions not stated): gnomAD 0.00001; TOPMed 0.00002.

Submissions (2):

Women's Health and Genetics/Laboratory Corporation of America, LabCorp
Classification: Uncertain significance. Last evaluated: 2025-10-20. Review status: criteria provided, single submitter. Criteria: LabCorp Variant Classification Summary - May 2015. Collection method: clinical testing. Allele origin: germline.
Comment: Variant summary: BCL11B c.890C>T (p.Pro297Leu) results in a non-conservative amino acid change in the encoded protein sequence. Algorithms developed to predict the effect of missense changes on protein structure and function are either unavailable or do not agree on the potential impact of this missense change. The variant allele was found at a frequency of 1.3e-05 in 79032 control chromosomes. The available data on variant occurrences in the general population are insufficient to allow any conclusion about variant significance. To our knowledge, no occurrence of c.890C>T in individuals affected with BCL11B-related conditions and no experimental evidence demonstrating its impact on protein function have been reported. ClinVar contains an entry for this variant (Variation ID: 2867833). Based on the evidence outlined above, the variant was classified as uncertain significance.

Labcorp Genetics (formerly Invitae), Labcorp
Classification: Uncertain significance. Last evaluated: 2023-02-05. Review status: criteria provided, single submitter. Criteria: Invitae Variant Classification Sherloc (09022015). Collection method: clinical testing. Allele origin: germline.
Comment: This sequence change replaces proline, which is neutral and non-polar, with leucine, which is neutral and non-polar, at codon 297 of the BCL11B protein (p.Pro297Leu). The frequency data for this variant in the population databases is considered unreliable, as metrics indicate poor data quality at this position in the gnomAD database. This variant has not been reported in the literature in individuals affected with BCL11B-related conditions. Advanced modeling of protein sequence and biophysical properties (such as structural, functional, and spatial information, amino acid conservation, physicochemical variation, residue mobility, and thermodynamic stability) performed at Invitae indicates that this missense variant is not expected to disrupt BCL11B protein function. In summary, the available evidence is currently insufficient to determine the role of this variant in disease. Therefore, it has been classified as a Variant of Uncertain Significance.